The following is an entry in ClinVar:

ClinVar aggregate classification (germline): Conflicting classifications of pathogenicity. Review status: criteria provided, conflicting classifications (1 of 4 stars). 3 submissions from 3 submitters: Uncertain significance (2); Likely benign (1). Last evaluated 2024-05-31.

Conditions:
Hereditary cancer-predisposing syndrome. Also called: Neoplastic Syndromes, Hereditary; Hereditary Cancer Syndrome; Hereditary neoplastic syndrome; Tumor predisposition. Identifiers: Orphanet 140162, MedGen C0027672, MeSH D009386, MONDO:0015356.
Hereditary breast ovarian cancer syndrome. Also called: Hereditary breast and ovarian cancer syndrome; BRCA1- and BRCA2-Associated Hereditary Breast and Ovarian Cancer; Hereditary breast and ovarian cancer; Hereditary breast and/or ovarian cancer syndrome; Hereditary breast and ovarian cancer syndrome (HBOC); Breast and ovarian cancer. Identifiers: Orphanet 145, MedGen C0677776, MeSH D061325, MONDO:0003582. Disease mechanism: loss of function.

Submissions (3):

GeneDx
Classification: Uncertain significance. Last evaluated: 2024-05-31. Review status: criteria provided, single submitter. Criteria: GeneDx Variant Classification Process June 2021. Collection method: clinical testing. Allele origin: germline. Affected: yes.
Comment: Not observed at significant frequency in large population cohorts (gnomAD); In silico analysis supports that this missense variant has a deleterious effect on protein structure/function; Has not been previously published as pathogenic or benign to our knowledge; Also known as 2825A>G

University of Washington Department of Laboratory Medicine, University of Washington
Classification: Likely benign for Hereditary cancer-predisposing syndrome. Last evaluated: 2023-03-23. Review status: criteria provided, single submitter. Criteria: Dines et al. (Genet Med. 2020). Collection method: curation. Allele origin: germline.
Comment: Missense variant in a coldspot region where missense variants are very unlikely to be pathogenic (PMID:31911673).

BRCA2 exon 11 coldspot. Reclassification based on statistical prior probability.

Labcorp Genetics (formerly Invitae), Labcorp
Classification: Uncertain significance for Hereditary breast ovarian cancer syndrome. Last evaluated: 2023-01-13. Review status: criteria provided, single submitter. Criteria: Invitae Variant Classification Sherloc (09022015). Collection method: clinical testing. Allele origin: germline.
Comment: Advanced modeling of protein sequence and biophysical properties (such as structural, functional, and spatial information, amino acid conservation, physicochemical variation, residue mobility, and thermodynamic stability) performed at Invitae indicates that this missense variant is not expected to disrupt BRCA2 protein function. In summary, the available evidence is currently insufficient to determine the role of this variant in disease. Therefore, it has been classified as a Variant of Uncertain Significance. This variant has not been reported in the literature in individuals affected with BRCA2-related conditions. This variant is not present in population databases (gnomAD no frequency). This sequence change replaces glutamic acid, which is acidic and polar, with glycine, which is neutral and non-polar, at codon 866 of the BRCA2 protein (p.Glu866Gly).

NM_000059.4(BRCA2):c.2597A>G (p.Glu866Gly)

Gene: BRCA2 (BRCA2 DNA repair associated; plus strand). Cytogenetic location: 13q13.1.
Variant type: single nucleotide variant.
Coding change: c.2597A>G on transcript NM_000059.4 (MANE Select); coding-DNA position 2597, A replaced by G.
Protein change: p.Glu866Gly; replaces glutamic acid 866 with glycine.
Molecular consequence: missense variant.
Genome position (GRCh38, 1-based): chr13:32,336,952, A>G. VCF-style: chr13-32336952-A-G. GRCh37 (hg19) VCF-style: chr13-32911089-A-G.
Other names: c.2597A>G, p.Glu866Gly (NM_001406719.1, NM_001406720.1); short protein forms E866G.
Identifiers: ClinVar variation 2109419 (VCV002109419.7), dbSNP rs1555282752, ClinGen allele CA387772623.